The following is an entry in ClinVar:

NM_001127644.2(GABRA1):c.633T>C (p.Asp211=)

Gene: GABRA1 (gamma-aminobutyric acid type A receptor subunit alpha1; plus strand). Cytogenetic location: 5q34.
Variant type: single nucleotide variant.
Coding change: c.633T>C on transcript NM_001127644.2 (MANE Select); coding-DNA position 633, T replaced by C.
Protein change: p.Asp211=; no amino-acid change (aspartic acid 211 retained).
Molecular consequence: synonymous variant.
Genome position (GRCh38, 1-based): chr5:161,882,631, T>C. VCF-style: chr5-161882631-T-C. GRCh37 (hg19) VCF-style: chr5-161309637-T-C.
Other names: p.D211D:GAT>GAC; c.633T>C, p.Asp211= (NM_000806.5, NM_001127643.2, NM_001127645.2 and 1 more transcripts).
Identifiers: ClinVar variation 137411 (VCV000137411.35), dbSNP rs587780947, ClinGen allele CA290974.

ClinVar aggregate classification (germline): Benign/Likely benign. Review status: criteria provided, multiple submitters, no conflicts (2 of 4 stars). 3 submissions from 3 submitters: Benign (1); Likely benign (2). Last evaluated 2025-10-10.

Conditions:
Idiopathic generalized epilepsy. Also called: Generalised epilepsy; EIG. Identifiers: MedGen C0270850, MONDO:0005579, OMIM 600669.
Epilepsy, idiopathic generalized, susceptibility to, 13. Also called: EPILEPSY, JUVENILE MYOCLONIC, SUSCEPTIBILITY TO, 5. Identifiers: Orphanet 307, Orphanet 64280, MedGen C4013473, MONDO:0012627, OMIM 611136.
Epilepsy, childhood absence 4 (ECA4). Also called: EPILEPSY, CHILDHOOD ABSENCE, SUSCEPTIBILITY TO, 4. Identifiers: Orphanet 307, MedGen C1970160.

Allele frequency attached by ClinVar (database versions not stated): ExAC 0.00001; gnomAD 0.00002 and 0.00003; gnomAD exomes 0.00002; TOPMed 0.00004.
gnomAD v4.1: 105 of 1,613,694 alleles (0.0065%); highest among the groups gnomAD compares: Non-Finnish European, 0.0086%; no homozygotes.

Submissions (3):

Labcorp Genetics (formerly Invitae), Labcorp
Classification: Likely benign for Epilepsy, childhood absence 4; Epilepsy, idiopathic generalized, susceptibility to, 13; Idiopathic generalized epilepsy. Last evaluated: 2025-10-10. Review status: criteria provided, single submitter. Criteria: Invitae Variant Classification Sherloc (09022015). Collection method: clinical testing. Allele origin: germline.

CeGaT Center for Human Genetics Tuebingen
Classification: Likely benign. Last evaluated: 2022-12-01. Review status: criteria provided, single submitter. Criteria: CeGaT Center For Human Genetics Tuebingen Variant Classification Criteria Version 2. Collection method: clinical testing. Allele origin: germline. Affected: yes. Observed: 1 variant allele.
Comment: GABRA1: BP4

GeneDx
Classification: Benign. Last evaluated: 2013-05-23. Review status: criteria provided, single submitter. Criteria: GeneDx Variant Classification (06012015). Collection method: clinical testing. Allele origin: germline. Affected: yes.
Comment: This variant is considered likely benign or benign based on one or more of the following criteria: it is a conservative change, it occurs at a poorly conserved position in the protein, it is predicted to be benign by multiple in silico algorithms, and/or has population frequency not consistent with disease.